The following is an entry in ClinVar:

NM_004281.4(BAG3):c.910-10C>G

Gene: BAG3 (BAG cochaperone 3; plus strand). Cytogenetic location: 10q26.11.
Variant type: single nucleotide variant.
Coding change: c.910-10C>G on transcript NM_004281.4 (MANE Select); 10 bases into the intron before coding-DNA position 910, C replaced by G.
Molecular consequence: intron variant.
Genome position (GRCh38, 1-based): chr10:119,676,454, C>G. VCF-style: chr10-119676454-C-G. GRCh37 (hg19) VCF-style: chr10-121435966-C-G.
Identifiers: ClinVar variation 162781 (VCV000162781.8), dbSNP rs727502899, ClinGen allele CA175303.

ClinVar aggregate classification (germline): Conflicting classifications of pathogenicity. Review status: criteria provided, conflicting classifications (1 of 4 stars). 2 submissions from 2 submitters: Uncertain significance (1); Likely benign (1). Last evaluated 2022-11-08.

Conditions:
Dilated cardiomyopathy 1HH (CMD1HH). Identifiers: Orphanet 154, MedGen C3151293, MONDO:0013479, OMIM 613881.
Myofibrillar myopathy 6. Identifiers: Orphanet 199340, MedGen C2751831, MONDO:0013061, OMIM 612954.

Submissions (2):

Labcorp Genetics (formerly Invitae), Labcorp
Classification: Likely benign for Dilated cardiomyopathy 1HH; Myofibrillar myopathy 6. Last evaluated: 2022-11-08. Review status: criteria provided, single submitter. Criteria: Invitae Variant Classification Sherloc (09022015). Collection method: clinical testing. Allele origin: germline.

Laboratory for Molecular Medicine, Mass General Brigham Personalized Medicine
Classification: Uncertain significance. Last evaluated: 2013-09-06. Review status: criteria provided, single submitter. Criteria: LMM Criteria. Collection method: clinical testing. Allele origin: germline. Observed: 1 variant allele.
Comment: The 910-10C>G variant in BAG3 has not been reported in individuals with cardiomy opathy or in large population studies. Although this variant is located in the 3 ' splice region, computational tools do not suggest an impact to splicing. Howev er, this information is not predictive enough to rule out pathogenicity. Additio nal information is needed to fully assess the clinical significance of the 910-1 0C>G variant.